The following is an entry in ClinVar:

ClinVar aggregate classification (germline): Benign/Likely benign. Review status: criteria provided, multiple submitters, no conflicts (2 of 4 stars). 6 submissions from 6 submitters: Benign (1); Likely benign (4). 1 of the submissions does not count toward it. Last evaluated 2025-11-10.

Conditions:
Schuurs-Hoeijmakers syndrome. Also called: PACS1-Related Neurodevelopmental Disorder. Identifiers: Orphanet 329224, MedGen C3554343, MONDO:0014006, OMIM 615009.
Inborn genetic diseases. Identifiers: MedGen C0950123, MeSH D030342.
PACS1-related disorder. Also called: PACS1-related condition.

Allele frequency attached by ClinVar (database versions not stated): TOPMed 0.00007; gnomAD exomes 0.00012 and 0.00008; 1000 Genomes Project 30x 0.00016; 1000 Genomes Project 0.00020; ExAC 0.00011.
gnomAD v4.1: 131 of 1,613,924 alleles (0.0081%); highest among the groups gnomAD compares: Non-Finnish European, 0.01%; no homozygotes.

Submissions (6):

Labcorp Genetics (formerly Invitae), Labcorp
Classification: Benign for Schuurs-Hoeijmakers syndrome. Last evaluated: 2025-11-10. Review status: criteria provided, single submitter. Criteria: Invitae Variant Classification Sherloc (09022015). Collection method: clinical testing. Allele origin: germline.

Blueprint Genetics
Classification: Likely benign. Last evaluated: 2024-07-02. Review status: criteria provided, single submitter. Criteria: ACMG Guidelines, 2015. Collection method: clinical testing. Allele origin: germline.

Ambry Genetics
Classification: Likely benign for Inborn genetic diseases. Last evaluated: 2023-12-05. Review status: criteria provided, single submitter. Criteria: Ambry Variant Classification Scheme 2023. Collection method: clinical testing. Allele origin: germline.

CeGaT Center for Human Genetics Tuebingen
Classification: Likely benign. Last evaluated: 2022-09-01. Review status: criteria provided, single submitter. Criteria: CeGaT Center For Human Genetics Tuebingen Variant Classification Criteria Version 2. Collection method: clinical testing. Allele origin: germline. Affected: yes. Observed: 3 variant alleles.
Comment: PACS1: BS2

GeneDx
Classification: Likely benign. Last evaluated: 2021-02-19. Review status: criteria provided, single submitter. Criteria: GeneDx Variant Classification Process June 2021. Collection method: clinical testing. Allele origin: germline. Affected: yes.

PreventionGenetics, part of Exact Sciences
Classification: Likely benign for PACS1-related condition. Last evaluated: 2021-01-05. Review status: no assertion criteria provided. Collection method: clinical testing. Allele origin: germline. Not counted in ClinVar's aggregate classification.
Comment: This variant is classified as likely benign based on ACMG/AMP sequence variant interpretation guidelines (Richards et al. 2015 PMID: 25741868, with internal and published modifications).

NM_018026.4(PACS1):c.698G>A (p.Gly233Asp)

Gene: PACS1 (phosphofurin acidic cluster sorting protein 1; plus strand). Cytogenetic location: 11q13.2.
Variant type: single nucleotide variant.
Coding change: c.698G>A on transcript NM_018026.4 (MANE Select); coding-DNA position 698, G replaced by A.
Protein change: p.Gly233Asp; replaces glycine 233 with aspartic acid.
Molecular consequence: missense variant.
Genome position (GRCh38, 1-based): chr11:66,216,156, G>A. VCF-style: chr11-66216156-G-A. GRCh37 (hg19) VCF-style: chr11-65983627-G-A.
Other names: c.698G>A (NM_018026.2); short protein forms G233D.
Identifiers: ClinVar variation 1188332 (VCV001188332.45), dbSNP rs201067492, ClinGen allele CA6116322.
Genomic context (GRCh38, chr11:66,216,156, plus strand): 5'-CCACCACCTCCCCTGGCTCCTAGGTGATGCAGCATCCTAATGAAGGCGCACTGGTGCTTG[G>A]CCTACACAGCAACGTGAAGGATGTCTCTGTGCCTGTGGCAGAAATAAAGATCTACTCCCT-3'
Protein context (NP_060496.2, residues 223-243): QHPNEGALVL[Gly233Asp]LHSNVKDVSV